The following is an entry in ClinVar:

ClinVar aggregate classification (germline): Pathogenic/Likely pathogenic. Review status: criteria provided, multiple submitters, no conflicts (2 of 4 stars). 2 submissions from 2 submitters: Pathogenic (1); Likely pathogenic (1). Last evaluated 2020-03-25.

Conditions:
Ichthyosis prematurity syndrome (IPS). Also called: ICHTHYOSIS CONGENITA IV. Identifiers: Orphanet 88621, MedGen C1837610, MONDO:0012089, OMIM 608649.

Submissions (2):

Rady Children's Institute for Genomic Medicine, Rady Children's Hospital San Diego
Classification: Likely pathogenic for Ichthyosis prematurity syndrome. Last evaluated: 2020-03-25. Review status: criteria provided, single submitter. Criteria: ACMG Guidelines, 2015. Collection method: clinical testing. Allele origin: germline. Affected: yes.
Comment: This frameshifting variant in exon 13 of 13 introduces a premature stop codon and is therefore predicted to result in loss of normal protein function through either protein truncation or nonsense-mediated mRNA decay (NMD). This variant has not been reported or functionally characterized in the literature to our knowledge. It is present in the heterozygous state in the gnomAD population database at a frequency of 0.001% (3/251470) and thus is presumed to be rare. Based on the available evidence, the c.1799_1800del (p.Glu600AlafsTer7) variant is classified as Likely Pathogenic.

Mendelics
Classification: Pathogenic for Ichthyosis prematurity syndrome. Last evaluated: 2019-05-28. Review status: criteria provided, single submitter. Criteria: Mendelics Assertion Criteria 2017. Collection method: clinical testing. Allele origin: unknown.

NM_005094.4(SLC27A4):c.1799_1800del (p.Glu600fs)

Gene: SLC27A4 (solute carrier family 27 member 4; plus strand). Cytogenetic location: 9q34.11.
Variant type: Microsatellite.
Coding change: c.1799_1800del on transcript NM_005094.4 (MANE Select); coding-DNA positions 1799 to 1800, 2 bases deleted (AG; older notation c.1799_1800delAG).
Protein change: p.Glu600fs; shifts the reading frame from glutamic acid 600.
Molecular consequence: frameshift variant.
Genome position (GRCh38, 1-based): chr9:128,360,358-128,360,359, AG deleted; deleting any 2 consecutive bases within chr9:128,360,356-128,360,359 gives the same sequence; the c. name uses the placement nearest the transcript's 3' end. VCF-style (leftmost placement, unchanged base first): chr9-128360355-CAG-C. GRCh37 (hg19) VCF-style: chr9-131122634-CAG-C.
Other names: short protein forms E600fs.
Identifiers: ClinVar variation 802517 (VCV000802517.2), dbSNP rs758657421, ClinGen allele CA5261447.